The following is an entry in ClinVar:

ClinVar aggregate classification (germline): Uncertain significance (1 of 4 stars; one submission).

Conditions:
Inborn genetic diseases. Identifiers: MedGen C0950123, MeSH D030342.

gnomAD v4.1: 19 of 1,610,220 alleles (0.0012%); highest among the groups gnomAD compares: Non-Finnish European, 0.0016%; no homozygotes.

Submission:

Ambry Genetics
Classification: Uncertain significance for Inborn genetic diseases. Last evaluated: 2025-12-15. Review status: criteria provided, single submitter. Criteria: Ambry Variant Classification Scheme 2023. Collection method: clinical testing. Allele origin: germline.
Comment: The c.3407C>G (p.P1136R) alteration is located in exon 25 (coding exon 25) of the KIF21A gene. This alteration results from a C to G substitution at nucleotide position 3407, causing the proline (P) at amino acid position 1136 to be replaced by an arginine (R). Based on data from gnomAD, the G allele has an overall frequency of 0.002% (4/251272) total alleles studied. The highest observed frequency was 0.004% (4/113650) of European (non-Finnish) alleles. Based on insufficient or conflicting evidence, the clinical significance of this alteration remains unclear.

NM_001173464.2(KIF21A):c.3446C>G (p.Pro1149Arg)

Gene: KIF21A (kinesin family member 21A; minus strand). Cytogenetic location: 12q12.
Variant type: single nucleotide variant.
Coding change: c.3446C>G on transcript NM_001173464.2 (MANE Select); coding-DNA position 3446, C replaced by G.
Protein change: p.Pro1149Arg; replaces proline 1149 with arginine.
Molecular consequence: missense variant.
Genome position (GRCh38, 1-based): chr12:39,325,849, G>C on the plus strand (C>G on the coding strand, the complement: KIF21A is on the minus strand). VCF-style: chr12-39325849-G-C. GRCh37 (hg19) VCF-style: chr12-39719651-G-C.
Other names: c.3386C>G, p.Pro1129Arg (NM_001173463.2); c.3338C>G, p.Pro1113Arg (NM_001173465.2); c.3446C>G, p.Pro1149Arg (NM_001378439.1, NM_001378440.1); c.3407C>G, p.Pro1136Arg (NM_001378441.1, NM_017641.4); short protein forms P1136R, P1149R, P1113R, P1129R.
Identifiers: ClinVar variation 4835202 (VCV004835202.1).
Genomic context (GRCh38, chr12:39,325,849, plus strand): 5'-ACAAATAATGGTGTAAAACATGTTTACCTGATACTTTTAGTTCTCCTTACCTTGTTCTTA[G>C]GTTTCACTTCACCACAAAGCTTCATGAGATCTGAAGACAGCGTGCTATGTGCAAATAAAT-3'
Protein context (NP_001166935.1, residues 1139-1159): DLMKLCGEVK[Pro1149Arg]KNKARRRTTT